The following is an entry in ClinVar:

NM_002667.5(PLN):c.95_98del (p.Phe32fs)

Genes: PLN (phospholamban; plus strand), CEP85L (centrosomal protein 85L; minus strand). Cytogenetic location: 6q22.31.
Variant type: Deletion.
Coding change: c.95_98del on transcript NM_002667.5 (MANE Select); coding-DNA positions 95 to 98, 4 bases deleted (TTAT; older notation c.95_98delTTAT).
Protein change: p.Phe32fs; shifts the reading frame from phenylalanine 32.
Molecular consequence: frameshift variant. On other transcripts: intron variant (3).
Genome position (GRCh38, 1-based): chr6:118,559,016-118,559,019, TTAT deleted; deleting any 4 consecutive bases within chr6:118,559,013-118,559,019 gives the same sequence; the c. name uses the placement nearest the transcript's 3' end. VCF-style (leftmost placement, unchanged base first): chr6-118559012-CTATT-C. GRCh37 (hg19) VCF-style: chr6-118880175-CTATT-C.
Other names: c.1029+6513_1029+6516del (NM_001178035.2); c.1020+6513_1020+6516del (NM_001042475.3, NM_206921.3); short protein forms F32fs.
Identifiers: ClinVar variation 1453340 (VCV001453340.9), dbSNP rs2114970035, ClinGen allele CA2573140394.
Genomic context (GRCh38, chr6:118,559,012, plus strand): 5'-GCTATAAGAAGAGCCTCAACCATTGAAATGCCTCAACAAGCACGTCAAAAGCTACAGAAT[CTATT>C]TATCAATTTCTGTCTCATCTTAATATGTCTCTTGCTGATCTGTATCATCGTGATGCTTCT-3'

ClinVar aggregate classification (germline): Pathogenic (1 of 4 stars; one submission).

Conditions:
Dilated cardiomyopathy 1P (CMD1P). Identifiers: Orphanet 154, MedGen C1835928, MONDO:0012362, OMIM 609909.

Submission:

Labcorp Genetics (formerly Invitae), Labcorp
Classification: Pathogenic for Dilated cardiomyopathy 1P. Last evaluated: 2023-08-19. Review status: criteria provided, single submitter. Criteria: Invitae Variant Classification Sherloc (09022015). Collection method: clinical testing. Allele origin: germline.
Comment: For these reasons, this variant has been classified as Pathogenic. This variant disrupts a region of the PLN protein in which other variant(s) (p.Leu39*) have been determined to be pathogenic (PMID: 12639993, 17655857, 21167350, 25611685, 26535225, 27532257). This suggests that this is a clinically significant region of the protein, and that variants that disrupt it are likely to be disease-causing. ClinVar contains an entry for this variant (Variation ID: 1453340). This variant has not been reported in the literature in individuals affected with PLN-related conditions. This variant is not present in population databases (gnomAD no frequency). This sequence change creates a premature translational stop signal (p.Phe32Serfs*7) in the PLN gene. While this is not anticipated to result in nonsense mediated decay, it is expected to disrupt the last 21 amino acid(s) of the PLN protein.

Literature cited by the submitters: PubMed 12639993; PubMed 17655857; PubMed 21167350; PubMed 25611685; PubMed 26535225; PubMed 27532257.